The following is an entry in ClinVar:

ClinVar aggregate classification (germline): Pathogenic (1 of 4 stars; one submission).

Conditions:
Trichorhinophalangeal syndrome, type III (TRPS3). Also called: SUGIO-KAJII SYNDROME. Identifiers: Orphanet 77258, MedGen C1860823, OMIM 190351, MONDO:0008597.
Trichorhinophalangeal dysplasia type I (TRPS1). Also called: TRPS I; TRICHORHINOPHALANGEAL SYNDROME, TYPE I. Identifiers: Orphanet 77258, MedGen C0432233, MONDO:0008596, OMIM 190350.

Submission:

Labcorp Genetics (formerly Invitae), Labcorp
Classification: Pathogenic for Trichorhinophalangeal syndrome, type III; Trichorhinophalangeal dysplasia type I. Last evaluated: 2021-08-31. Review status: criteria provided, single submitter. Criteria: Invitae Variant Classification Sherloc (09022015). Collection method: clinical testing. Allele origin: germline.
Comment: This sequence change creates a premature translational stop signal (p.Gln718*) in the TRPS1 gene. It is expected to result in an absent or disrupted protein product. Loss-of-function variants in TRPS1 are known to be pathogenic (PMID: 11112658). This variant is not present in population databases (ExAC no frequency). This premature translational stop signal has been observed in individual(s) with trichorhinophalangeal syndrome type I (PMID: 20394624). This variant is also known as c.2113C>T, Q705X. For these reasons, this variant has been classified as Pathogenic.

Literature cited by the submitters: PubMed 11112658; PubMed 20394624.

NM_014112.5(TRPS1):c.2152C>T (p.Gln718Ter)

Gene: TRPS1 (transcriptional repressor GATA binding 1; minus strand). Cytogenetic location: 8q23.3.
Variant type: single nucleotide variant.
Coding change: c.2152C>T on transcript NM_014112.5 (MANE Select); coding-DNA position 2152, C replaced by T.
Protein change: p.Gln718Ter; replaces glutamine 718 with a stop codon.
Molecular consequence: nonsense.
Genome position (GRCh38, 1-based): chr8:115,587,549, G>A on the plus strand (C>T on the coding strand, the complement: TRPS1 is on the minus strand). VCF-style: chr8-115587549-G-A. GRCh37 (hg19) VCF-style: chr8-116599776-G-A.
Other names: c.2125C>T, p.Gln709Ter (NM_001282902.3); c.2131C>T, p.Gln711Ter (NM_001282903.3); c.2113C>T, p.Gln705Ter (NM_001330599.2); short protein forms Q705*, Q709*, Q718*, Q711*.
Identifiers: ClinVar variation 1456401 (VCV001456401.6), dbSNP rs2130445981, ClinGen allele CA372065753.
Genomic context (GRCh38, chr8:115,587,549, plus strand): 5'-TGGCTGTAGTGATGTCCTGTTCCTGGCAGTGAACAGTGTTGAAGTGCTCCAGTAGTGACT[G>A]AGTATCGGCAGCTGTAAAACTGCACTGACGGCATTTGTAGCAGCTGTGTGCTCTCCTGGA-3'